The following is an entry in ClinVar:

ClinVar aggregate classification (germline): Benign. Review status: criteria provided, multiple submitters, no conflicts (2 of 4 stars). 14 submissions from 14 submitters: Benign (12). 2 of the submissions do not count toward it. Last evaluated 2026-02-04.

Conditions:
Hereditary cancer-predisposing syndrome. Also called: Tumor predisposition; Hereditary Cancer Syndrome; Neoplastic Syndromes, Hereditary; Hereditary neoplastic syndrome. Identifiers: Orphanet 140162, MedGen C0027672, MeSH D009386, MONDO:0015356.
POLD1-related polyposis and colorectal cancer syndrome (CRCS10). Also called: Colorectal cancer 10; COLORECTAL CANCER, SUSCEPTIBILITY TO, ON CHROMOSOME 19q; Colorectal cancer, susceptibility to, 10. Identifiers: Orphanet 220460, MedGen C2675481, MONDO:0012953, OMIM 612591.

Allele frequency attached by ClinVar (database versions not stated): ESP Exome Variant Server 0.00008; gnomAD exomes 0.00078 and 0.00259; gnomAD 0.00088 and 0.00147; TOPMed 0.00158; ExAC 0.00234; 1000 Genomes Project 30x 0.00968; 1000 Genomes Project 0.01018.
gnomAD v4.1: 1,499 of 1,613,366 alleles (0.093%); highest among the groups gnomAD compares: East Asian, 2.5%; 25 homozygotes.

Submissions (14):

Labcorp Genetics (formerly Invitae), Labcorp
Classification: Benign for POLD1-related polyposis and colorectal cancer syndrome. Last evaluated: 2026-02-04. Review status: criteria provided, single submitter. Criteria: Invitae Variant Classification Sherloc (09022015). Collection method: clinical testing. Allele origin: germline.

Center for Genomic Medicine, Rigshospitalet, Copenhagen University Hospital
Classification: Benign. Last evaluated: 2025-03-04. Review status: criteria provided, single submitter. Criteria: ACMG Guidelines, 2015. Collection method: clinical testing. Allele origin: germline.

Institute for Biomarker Research, Medical Diagnostic Laboratories, L.L.C.
Classification: Benign for Hereditary cancer-predisposing syndrome. Last evaluated: 2025-01-15. Review status: criteria provided, single submitter. Criteria: ACMG Guidelines, 2015. Collection method: clinical testing. Allele origin: germline.
Comment: The synonymous variant NM_001308632.1(POLD1):c.2706C>T (p.Ile902=) has been reported to ClinVar as Benign with a status of (2 stars) criteria provided, multiple submitters, no conflicts (Variation ID 220703 as of 2025-01-02). The p.Ile902= variant is not predicted to disrupt an existing splice site. The p.Ile902= variant results in a substitution of a base that is not predicted conserved by GERP++ and PhyloP. For these reasons, this variant has been classified as Benign.

KCCC/NGS Laboratory, Kuwait Cancer Control Center
Classification: Benign for POLD1-related polyposis and colorectal cancer syndrome. Last evaluated: 2023-07-07. Review status: criteria provided, single submitter. Criteria: ACMG Guidelines, 2015. Collection method: clinical testing. Allele origin: germline. Affected: yes.

ARUP Laboratories, Molecular Genetics and Genomics, ARUP Laboratories
Classification: Benign. Last evaluated: 2022-06-22. Review status: criteria provided, single submitter. Criteria: ARUP Molecular Germline Variant Investigation Process 2021. Collection method: clinical testing. Allele origin: germline.

Sema4
Classification: Benign for Hereditary cancer-predisposing syndrome. Last evaluated: 2021-05-12. Review status: criteria provided, single submitter. Criteria: Sema4 Curation Guidelines. Collection method: curation. Allele origin: germline.

Women's Health and Genetics/Laboratory Corporation of America, LabCorp
Classification: Benign. Last evaluated: 2017-07-28. Review status: criteria provided, single submitter. Criteria: LabCorp Variant Classification Summary - May 2015. Collection method: clinical testing. Allele origin: germline.
Comment: Variant summary: The POLD1 c.2628C>T (p.Ile876Ile) variant involves the alteration of a non-conserved nucleotide causing a synonymous change and 5/5 splice prediction tools predict no significant impact on normal splicing. ESE finder predicts that this variant alters binding of SRp55 and SF2/ASF. However, these predictions have yet to be confirmed by functional studies. This variant was found in 271/116036 control chromosomes (3 homozygotes) at a frequency of 0.0023355, which is approximately 164 times the estimated maximal expected allele frequency of a pathogenic POLD1 variant (0.0000142), suggesting this variant is likely a benign polymorphism. It is more common in East Asian subpopulation with an allele frequency of 0.0293 (248/8464 chromosomes). In addition, multiple clinical diagnostic laboratories classified this variant as benign. The variant of interest has not, to our knowledge, been reported in affected individuals via publications. Taken together, this variant is classified as benign.

PreventionGenetics, part of Exact Sciences
Classification: Benign. Last evaluated: 2017-03-20. Review status: criteria provided, single submitter. Criteria: ACMG Guidelines, 2015. Collection method: clinical testing. Allele origin: germline.

Quest Diagnostics Nichols Institute San Juan Capistrano
Classification: Benign. Last evaluated: 2016-07-22. Review status: criteria provided, single submitter. Criteria: Quest Diagnostics criteria. Collection method: clinical testing. Allele origin: unknown.

GeneDx
Classification: Benign. Last evaluated: 2015-11-18. Review status: criteria provided, single submitter. Criteria: GeneDx Variant Classification (06012015). Collection method: clinical testing. Allele origin: germline. Affected: yes.
Comment: This variant is considered likely benign or benign based on one or more of the following criteria: it is a conservative change, it occurs at a poorly conserved position in the protein, it is predicted to be benign by multiple in silico algorithms, and/or has population frequency not consistent with disease.

Ambry Genetics
Classification: Benign for Hereditary cancer-predisposing syndrome. Last evaluated: 2015-05-21. Review status: criteria provided, single submitter. Criteria: Ambry Variant Classification Scheme 2023. Collection method: clinical testing. Allele origin: germline.

Breakthrough Genomics
Classification: Benign. Review status: criteria provided, single submitter. Criteria: ACMG Guidelines, 2015. Collection method: not provided. Allele origin: germline. Inheritance: Autosomal dominant inheritance. Affected: yes.

True Health Diagnostics
Classification: Likely benign for Hereditary cancer-predisposing syndrome. Last evaluated: 2017-09-29. Review status: no assertion criteria provided. Collection method: clinical testing. Allele origin: germline. Not counted in ClinVar's aggregate classification.

Department of Pathology and Laboratory Medicine, Sinai Health System
Classification: Benign. Review status: no assertion criteria provided. Collection method: clinical testing. Allele origin: unknown. Affected: yes. Observed: 1 variant allele. Study: The Canadian Open Genetics Repository (COGR). Not counted in ClinVar's aggregate classification.
Comment: The POLD1 p.Ile876= variant was not identified in the literature nor was it identified in the Cosmic database. The variant was identified in dbSNP (ID: rs75874199) as "With Benign allele ", and in ClinVar database (classified as benign by Invitae, GeneDx, Ambry Genetics, and three clinical laboratories; as likely benign by one clinical laboratory). The variant was identified in control databases in 662 of 275698 chromosomes (12 homozygous) at a frequency of 0.002 increasing the likelihood this could be a low frequency benign variant (Genome Aggregation Database Feb 27, 2017). The variant was observed in the following populations: African in 4 of 23876 chromosomes (freq: 0.0002), Other in 8 of 6434 chromosomes (freq: 0.001), Latino in 3 of 34348 chromosomes (freq: 0.00009), European in 6 of 125698 chromosomes (freq: 0.00005), East Asian in 608 of 18808 chromosomes (freq: 0.03), and South Asian in 33 of 30756 chromosomes (freq: 0.001), while the variant was not observed in the Ashkenazi Jewish, and Finnish, populations. The p.Ile876= variant is not expected to have clinical significance because it does not result in a change of amino acid and is not located in a known consensus splice site. In addition, in silico or computational prediction software programs (SpliceSiteFinder, MaxEntScan, NNSPLICE, GeneSplicer) do not predict a difference in splicing. In summary, based on the above information this variant meets our laboratory's criteria to be classified as benign.

NM_002691.4(POLD1):c.2628C>T (p.Ile876=)

Gene: POLD1 (DNA polymerase delta 1, catalytic subunit; plus strand). Cytogenetic location: 19q13.33.
Variant type: single nucleotide variant.
Coding change: c.2628C>T on transcript NM_002691.4 (MANE Select); coding-DNA position 2628, C replaced by T.
Protein change: p.Ile876=; no amino-acid change (isoleucine 876 retained).
Molecular consequence: synonymous variant. On other transcripts: non-coding transcript variant (1).
Genome position (GRCh38, 1-based): chr19:50,415,501, C>T. VCF-style: chr19-50415501-C-T. GRCh37 (hg19) VCF-style: chr19-50918758-C-T.
Other names: c.2628C>T, p.Ile876= (NM_001256849.1); c.2706C>T, p.Ile902= (NM_001308632.1).
Identifiers: ClinVar variation 220703 (VCV000220703.32), dbSNP rs75874199, ClinGen allele CA350871.